The following is an entry in ClinVar:

NM_003239.5(TGFB3):c.898C>T (p.Arg300Trp)

Gene: TGFB3 (transforming growth factor beta 3; minus strand). Cytogenetic location: 14q24.3.
Variant type: single nucleotide variant.
Coding change: c.898C>T on transcript NM_003239.5 (MANE Select); coding-DNA position 898, C replaced by T.
Protein change: p.Arg300Trp; replaces arginine 300 with tryptophan.
Molecular consequence: missense variant.
Genome position (GRCh38, 1-based): chr14:75,963,344, G>A on the plus strand (C>T on the coding strand, the complement: TGFB3 is on the minus strand). VCF-style: chr14-75963344-G-A. GRCh37 (hg19) VCF-style: chr14-76429687-G-A.
Other names: c.898C>T, p.Arg300Trp (NM_001329938.2, NM_001329939.2); short protein forms R300W.
Identifiers: ClinVar variation 203490 (VCV000203490.25), dbSNP rs796051885, ClinGen allele CA203905.

ClinVar aggregate classification (germline): Pathogenic/Likely pathogenic. Review status: criteria provided, multiple submitters, no conflicts (2 of 4 stars). 10 submissions from 10 submitters: Pathogenic (7); Likely pathogenic (2). 1 of the submissions does not count toward it. Last evaluated 2025-10-28.

Conditions:
TGFB3-related disorder. Also called: TGFB3-related condition.
Rienhoff syndrome. Also called: LOEYS-DIETZ SYNDROME 5. Identifiers: MedGen C3810012, MONDO:0014262, OMIM 615582.
Familial thoracic aortic aneurysm and aortic dissection (TAAD). Also called: Thoracic aortic aneurysms and dissections. Identifiers: Orphanet 91387, MedGen C4707243, MONDO:0019625.

gnomAD v4.1: 2 of 1,614,138 alleles (0.00012%); highest among the groups gnomAD compares: Non-Finnish European, 0.00017%; no homozygotes.

Submissions (10):

Greenwood Genetic Center Diagnostic Laboratories, Greenwood Genetic Center
Classification: Pathogenic for Rienhoff syndrome. Last evaluated: 2025-10-28. Review status: criteria provided, single submitter. Criteria: ACMG Guidelines, 2015. Collection method: clinical testing. Allele origin: germline. Affected: yes.
Comment: PS2, PM1, PM5, PP1, PP3

Clinical Genetics Laboratory, Region Ostergotland
Classification: Pathogenic for Rienhoff syndrome. Last evaluated: 2025-05-19. Review status: criteria provided, single submitter. Criteria: ACMG Guidelines, 2015. Collection method: clinical testing. Allele origin: germline. Affected: yes.
Comment: The NM_003239.5:c.898C>T missense variant was found in one family. The variant is present in gnomAD v4.1.0 (<0.001% NFE). REVEL score is 0.868. The following ACMG criteria were applied in classifying this variant: PS4, PM2, PM5_supporting, PM6, PP3_moderate, PP1_Strong

Labcorp Genetics (formerly Invitae), Labcorp
Classification: Pathogenic for Rienhoff syndrome. Last evaluated: 2025-04-20. Review status: criteria provided, single submitter. Criteria: Invitae Variant Classification Sherloc (09022015). Collection method: clinical testing. Allele origin: germline.
Comment: This sequence change replaces arginine, which is basic and polar, with tryptophan, which is neutral and slightly polar, at codon 300 of the TGFB3 protein (p.Arg300Trp). This variant is not present in population databases (gnomAD no frequency). This missense change has been observed in individual(s) with clinical features of Loeys-Dietz syndrome (PMID: 25835445, 31898322). In at least one individual the variant was observed to be de novo. ClinVar contains an entry for this variant (Variation ID: 203490). Invitae Evidence Modeling of protein sequence and biophysical properties (such as structural, functional, and spatial information, amino acid conservation, physicochemical variation, residue mobility, and thermodynamic stability) has been performed for this missense variant. However, the output from this modeling did not meet the statistical confidence thresholds required to predict the impact of this variant on TGFB3 protein function. This variant disrupts the p.Arg300 amino acid residue in TGFB3. Other variant(s) that disrupt this residue have been observed in individuals with TGFB3-related conditions (PMID: 24798638, 26184463), which suggests that this may be a clinically significant amino acid residue. For these reasons, this variant has been classified as Pathogenic.

GeneDx
Classification: Pathogenic. Last evaluated: 2025-03-05. Review status: criteria provided, single submitter. Criteria: GeneDx Variant Classification Process June 2021. Collection method: clinical testing. Allele origin: germline. Affected: yes.
Comment: In silico analysis supports that this missense variant has a deleterious effect on protein structure/function; Not observed at significant frequency in large population cohorts (gnomAD); This variant is associated with the following publications: (PMID: 25835445, 27848944, 29392890, 31898322)

Blueprint Genetics
Classification: Pathogenic for TGFB3-related disorders. Last evaluated: 2024-10-17. Review status: criteria provided, single submitter. Criteria: ACMG Guidelines, 2015. Collection method: clinical testing. Allele origin: germline. Affected: yes. Observed: 4 variant alleles.

3billion
Classification: Likely pathogenic for Rienhoff syndrome. Last evaluated: 2024-08-14. Review status: criteria provided, single submitter. Criteria: ACMG Guidelines, 2015. Collection method: clinical testing. Allele origin: germline. Affected: yes.
Comment: The variant is observed at an extremely low frequency in the gnomAD v4.0.0 dataset (total allele frequency: <0.001%). Predicted Consequence/Location: The majority of the known disease-causing variants of this gene are variants expected to result in premature termination of the protein. In silico tool predictions suggest damaging effect of the variant on gene or gene product [REVEL: 0.87 (>=0.6, sensitivity 0.68 and specificity 0.92); 3Cnet: 0.95 (>=0.6, sensitivity 0.72 and precision 0.9)]. The same nucleotide change resulting in the same amino acid change has been previously reported as pathogenic/likely pathogenic with strong evidence (ClinVar ID: VCV000203490 /PMID: 25835445). Different missense changes at the same codon (p.Arg300Gln, p.Arg300Gly) have been reported as pathogenic/likely pathogenic with strong evidence (ClinVar ID: VCV000143945 /PMID: 24798638, 26184463). Therefore, this variant is classified as Likely pathogenic according to the recommendation of ACMG/AMP guideline.

CHEO Genetics Diagnostic Laboratory, Children's Hospital of Eastern Ontario
Classification: Likely pathogenic for Familial thoracic aortic aneurysm and aortic dissection. Last evaluated: 2018-12-04. Review status: criteria provided, single submitter. Criteria: ACMG Guidelines, 2015. Collection method: clinical testing. Allele origin: germline.

Ambry Genetics
Classification: Pathogenic for Familial thoracic aortic aneurysm and aortic dissection. Last evaluated: 2018-11-13. Review status: criteria provided, single submitter. Criteria: Ambry Variant Classification Scheme 2023. Collection method: clinical testing. Allele origin: germline.
Comment: The p.R300W pathogenic mutation (also known as c.898C>T), located in coding exon 5 of the TGFB3 gene, results from a C to T substitution at nucleotide position 898. The arginine at codon 300 is replaced by tryptophan, an amino acid with dissimilar properties. This alteration is located in the latency-associated peptide domain and has been reported in individuals and families with hypertelorism, bifid uvula and/or cleft palate, and other overlapping Loeys-Dietz and Marfan syndrome-like features (Bertoli-Avella AM et al. J. Am. Coll. Cardiol., 2015 Apr;65:1324-36; Trujillano D et al. Eur. J. Hum. Genet., 2017 02;25:176-182; Schepers D et al. Hum. Mutat., 2018 May;39:621-634). Other substitutions at this amino acid position, p.R300Q and p.R300G, have been identified in families with similar clinical findings, as well as in an affected individual reported as a de novo case (Matyas G et al. Am. J. Med. Genet. A, 2014 Aug;164A:2141-3; Kuechler A et al. Mol. Cell. Probes, 2015 Oct;29:330-4). Internal structural analysis indicates that alterations at this position disrupt the putative furin pro-peptide cleavage motif of the protein (Dubois CM et al. J. Biol. Chem., 1995 May;270:10618-24; Lafyatis R. Nat Rev Rheumatol, 2014 Dec;10:706-19; Ambry internal data). Based on the supporting evidence, this alteration is interpreted as a disease-causing mutation.

Center for Pediatric Genomic Medicine, Children's Mercy Hospital and Clinics
Classification: Pathogenic. Last evaluated: 2016-11-10. Review status: criteria provided, single submitter. Criteria: ACMG Guidelines, 2015. Collection method: clinical testing. Allele origin: de novo.

OMIM
Classification: Pathogenic for LOEYS-DIETZ SYNDROME 5. Last evaluated: 2015-04-07. Review status: no assertion criteria provided. Collection method: literature only. Allele origin: germline. Not counted in ClinVar's aggregate classification.

Literature cited by the submitters: PubMed 25835445 (cited by 4 submitters); PubMed 31898322 (cited by Labcorp Genetics (formerly Invitae), Labcorp); PubMed 24798638 (cited by 3 submitters); PubMed 26184463 (cited by Labcorp Genetics (formerly Invitae), Labcorp and Ambry Genetics); PubMed 25136781 (cited by Ambry Genetics); PubMed 27848944 (cited by Ambry Genetics); PubMed 29392890 (cited by Ambry Genetics); PubMed 7737999 (cited by Ambry Genetics).